The following is an entry in ClinVar:

NM_013275.6(ANKRD11):c.6443C>T (p.Ala2148Val)

Gene: ANKRD11 (ankyrin repeat domain 11; minus strand). Cytogenetic location: 16q24.3.
Variant type: single nucleotide variant.
Coding change: c.6443C>T on transcript NM_013275.6 (MANE Select); coding-DNA position 6443, C replaced by T.
Protein change: p.Ala2148Val; replaces alanine 2148 with valine.
Molecular consequence: missense variant.
Genome position (GRCh38, 1-based): chr16:89,280,099, G>A on the plus strand (C>T on the coding strand, the complement: ANKRD11 is on the minus strand). VCF-style: chr16-89280099-G-A. GRCh37 (hg19) VCF-style: chr16-89346507-G-A.
Other names: c.6443C>T, p.Ala2148Val (NM_001256182.2, NM_001256183.2); short protein forms A2148V.
Identifiers: ClinVar variation 3669205 (VCV003669205.2).

ClinVar aggregate classification (germline): Uncertain significance (1 of 4 stars; one submission).

Conditions:
KBG syndrome (KBGS). Also called: ANKRD11-Related KBG Syndrome. Identifiers: Orphanet 2332, MedGen C0220687, MONDO:0007846, OMIM 148050.

gnomAD v4.1: 33 of 1,612,986 alleles (0.002%); highest among the groups gnomAD compares: Non-Finnish European, 0.0025%; no homozygotes.

Submission:

Labcorp Genetics (formerly Invitae), Labcorp
Classification: Uncertain significance for KBG syndrome. Last evaluated: 2024-05-21. Review status: criteria provided, single submitter. Criteria: Invitae Variant Classification Sherloc (09022015). Collection method: clinical testing. Allele origin: germline.
Comment: This sequence change replaces alanine, which is neutral and non-polar, with valine, which is neutral and non-polar, at codon 2148 of the ANKRD11 protein (p.Ala2148Val). This variant is present in population databases (rs768676589, gnomAD 0.001%). This variant has not been reported in the literature in individuals affected with ANKRD11-related conditions. Advanced modeling of protein sequence and biophysical properties (such as structural, functional, and spatial information, amino acid conservation, physicochemical variation, residue mobility, and thermodynamic stability) performed at Invitae indicates that this missense variant is not expected to disrupt ANKRD11 protein function with a negative predictive value of 95%. In summary, the available evidence is currently insufficient to determine the role of this variant in disease. Therefore, it has been classified as a Variant of Uncertain Significance.